The following continues an entry in ClinVar:

NM_000257.4(MYH7):c.1324C>T (p.Arg442Cys)

Gene: MYH7. ClinVar aggregate classification (germline): Pathogenic/Likely pathogenic. Pathogenic (5); Likely pathogenic (11).

Submissions 8 to 16 of 16:

CeGaT Center for Human Genetics Tuebingen
Classification: Likely pathogenic. Last evaluated: 2023-07-01. Review status: criteria provided, single submitter. Criteria: CeGaT Center For Human Genetics Tuebingen Variant Classification Criteria Version 2. Collection method: clinical testing. Allele origin: germline. Affected: yes. Observed: 4 variant alleles.
Comment: MYH7: PM1, PM2:Supporting, PM5:Supporting, PP1, PS4:Supporting

CHEO Genetics Diagnostic Laboratory, Children's Hospital of Eastern Ontario
Classification: Likely pathogenic for Cardiomyopathy. Last evaluated: 2023-06-19. Review status: criteria provided, single submitter. Criteria: ACMG Guidelines, 2015. Collection method: clinical testing. Allele origin: germline. Study: Canadian Open Genetics Repository.

All of Us Research Program, National Institutes of Health
Classification: Likely pathogenic for Hypertrophic cardiomyopathy. Last evaluated: 2023-06-08. Review status: criteria provided, single submitter. Criteria: ACMG Guidelines, 2015. Collection method: clinical testing. Allele origin: germline. Inheritance: Autosomal dominant inheritance. Observed: 1 variant allele, 1 heterozygote.
Comment: This missense variant replaces arginine with cysteine at codon 442 of the MYH7 protein. Computational prediction suggests that this variant may have a deleterious impact on protein structure and function (internally defined REVEL score threshold >= 0.7, PMID: 27666373). This variant is found within a highly conserved region of the myosin head domain. Missense variants in this region have been shown to be significantly overrepresented in individuals with hypertrophic cardiomyopathy (PMID: 27532257). To our knowledge, functional studies have not been reported for this variant. This variant has been reported in more than 10 individuals affected with hypertrophic cardiomyopathy (PMID: 18533079, 23674513, 24111713, 26332594, 27247418, 27532257, 31308319, 31513939, 31737537, 33407484, 33495597, 34310159). This variant has been identified in 6/282878 chromosomes in the general population by the Genome Aggregation Database (gnomAD). Based on the available evidence, this variant is classified as Likely Pathogenic.

This study involves interpretation of variants in research participants for the purpose of population health screening. Participant phenotype was not available at the time of variant classification. Additional details can be found in publication PMID: 35346344, PMCID: PMC8962531

Color Diagnostics, LLC DBA Color Health
Classification: Likely pathogenic for Cardiomyopathy. Last evaluated: 2023-04-07. Review status: criteria provided, single submitter. Criteria: ACMG Guidelines, 2015. Collection method: clinical testing. Allele origin: germline.
Comment: This missense variant replaces arginine with cysteine at codon 442 of the MYH7 protein. Computational prediction suggests that this variant may have a deleterious impact on protein structure and function (internally defined REVEL score threshold >= 0.7, PMID: 27666373). This variant is found within a highly conserved region of the myosin head domain. Missense variants in this region have been shown to be significantly overrepresented in individuals with hypertrophic cardiomyopathy (PMID: 27532257). To our knowledge, functional studies have not been reported for this variant. This variant has been reported in more than 10 individuals affected with hypertrophic cardiomyopathy (PMID: 18533079, 23674513, 24111713, 26332594, 27247418, 27532257, 31308319, 31513939, 31737537, 33407484, 33495597, 34310159). This variant has been identified in 6/282878 chromosomes in the general population by the Genome Aggregation Database (gnomAD). Based on the available evidence, this variant is classified as Likely Pathogenic.

Laboratory for Molecular Medicine, Mass General Brigham Personalized Medicine
Classification: Likely pathogenic for Hypertrophic cardiomyopathy. Last evaluated: 2019-08-30. Review status: criteria provided, single submitter. Criteria: LMM Criteria. Collection method: clinical testing. Allele origin: germline. Observed: 3 variant alleles.
Comment: The p.Arg442Cys variant in MYH7 has been identified in at least 10 individuals with HCM (Laredo 2006, Olivotto 2008, Witjas-Paalberends 2013, Berge 2014, Homburger 2016, Walsh 2017, LMM data). It has also been identified in 6/282878 chromosomes by gnomAD and reported in ClinVar (Variation ID #177897). Of note, this variant lies in the head region of the protein and missense variants in this region are statistically more likely to be disease-associated (Walsh 2016). Another variant involving this codon, p.Arg442His, has also been identified in individuals with cardiomyopathy. In summary, although additional studies are required to fully establish its clinical significance, this variant meets criteria to be classified as likely pathogenic for autosomal dominant HCM. ACMG/AMP Criteria applied: PS4_Moderate, PM1, PM2, PP3.

Agnes Ginges Centre for Molecular Cardiology, Centenary Institute
Classification: Likely pathogenic for Hypertrophic cardiomyopathy 1. Last evaluated: 2019-01-10. Review status: criteria provided, single submitter. Criteria: ACMG Guidelines, 2015. Collection method: research. Allele origin: germline. Inheritance: Autosomal dominant inheritance. Affected: yes.
Comment: This MYH7 Arg442Cys variant has been previously reported in 8 unrelated HCM cases (Laredo et al., 2007; Olivotto et al., 2008; Berge & Leren, 2013; Walsh et al., 2017). Olivotto et al. (2008) indicated that this novel variant was tested for cosegregation in affected family members (5 affected relatives of a large Italian family are carriers of the variant; Olivotto I, unpublished data). The variant is present in the Genome Aggregation Database at an allele frequency of 0.000014. In a large HCM population study Walsh et al., showed that MYH7 variants identified in HCM cases were found to cluster between amino acids 181- 937 (2017), this implies that variants in this region are likely to cause a HCM phenotype. In silico tools SIFT, PolyPhen-2 and MutationTaster predict this variant to be deleterious. Based on the adapted ACMG criteria (Kelly MA, et al., 2018) this variant is located in a mutational hotspot (PM1), is rare in the general population (PM2), has been reported in at least 9 probands (PS4_moderate), has shown to segregate in at least 1 HCM family (PP1_moderate) and multiple in silico tools predict that this variant is deleterious (PP3), therefore we classify this variant as 'likely pathogenic'.

Center for Human Genetics, University of Leuven
Classification: Likely pathogenic for Hypertrophic cardiomyopathy. Last evaluated: 2018-10-31. Review status: criteria provided, single submitter. Criteria: ACMG Guidelines, 2015. Collection method: clinical testing. Allele origin: germline. Affected: yes.

Stanford Center for Inherited Cardiovascular Disease, Stanford University
Classification: Likely pathogenic. Last evaluated: 2016-08-11. Review status: criteria provided, single submitter. Criteria: ACMG Guidelines, 2015. Collection method: provider interpretation. Allele origin: germline.

Juno Genomics, Hangzhou Juno Genomics, Inc
Classification: Likely pathogenic for Dilated cardiomyopathy 1S; Hypertrophic cardiomyopathy 1. Review status: criteria provided, single submitter. Criteria: ACMG Guidelines, 2015. Collection method: clinical testing. Allele origin: germline.
Comment: Multiple lines of computational evidence support a deleterious effect on the gene or gene product.;Located in a mutational hot spot and/or critical and well-established functional domain without benign variation.;The prevalence of the variant in affected individuals is significantly increased compared to the prevalence in controls.;Co-segregation with disease in multiple affected family members.

Literature cited by the submitters: PubMed 17125710 (cited by 5 submitters); PubMed 18533079 (cited by 7 submitters); PubMed 23674513 (cited by 7 submitters); PubMed 24111713 (cited by 5 submitters); PubMed 27247418 (cited by 6 submitters); PubMed 27532257 (cited by 7 submitters); PubMed 33407484 (cited by 3 submitters); PubMed 28615295 (cited by Labcorp Genetics (formerly Invitae), Labcorp and 3billion); PubMed 17019812 (cited by 3billion and Agnes Ginges Centre for Molecular Cardiology, Centenary Institute); PubMed 26332594 (cited by 3 submitters); PubMed 31308319 (cited by All of Us Research Program, National Institutes of Health and Color Diagnostics, LLC DBA Color Health); PubMed 31513939 (cited by All of Us Research Program, National Institutes of Health and Color Diagnostics, LLC DBA Color Health); PubMed 31737537 (cited by All of Us Research Program, National Institutes of Health and Color Diagnostics, LLC DBA Color Health); PubMed 33495597 (cited by All of Us Research Program, National Institutes of Health and Color Diagnostics, LLC DBA Color Health); PubMed 34310159 (cited by All of Us Research Program, National Institutes of Health and Color Diagnostics, LLC DBA Color Health); PubMed 22763267 (cited by Laboratory for Molecular Medicine, Mass General Brigham Personalized Medicine); PubMed 28408708 (cited by Agnes Ginges Centre for Molecular Cardiology, Centenary Institute).